The following is an entry in ClinVar:

ClinVar aggregate classification (germline): Uncertain significance (1 of 4 stars; one submission).

Submission:

Ambry Genetics
Classification: Uncertain significance. Last evaluated: 2023-06-24. Review status: criteria provided, single submitter. Criteria: Ambry Variant Classification Scheme 2023. Collection method: clinical testing. Allele origin: germline.
Comment: The p.K2822I variant (also known as c.8465A>T), located in coding exon 62 of the PRKDC gene, results from an A to T substitution at nucleotide position 8465. The lysine at codon 2822 is replaced by isoleucine, an amino acid with dissimilar properties. This amino acid position is conserved. In addition, this alteration is predicted to be tolerated by in silico analysis. Since supporting evidence is limited at this time, the clinical significance of this alteration remains unclear.

NM_006904.7(PRKDC):c.8465A>T (p.Lys2822Ile)

Gene: PRKDC (protein kinase, DNA-activated, catalytic subunit; minus strand). Cytogenetic location: 8q11.21.
Variant type: single nucleotide variant.
Coding change: c.8465A>T on transcript NM_006904.7 (MANE Select); coding-DNA position 8465, A replaced by T.
Protein change: p.Lys2822Ile; replaces lysine 2822 with isoleucine.
Molecular consequence: missense variant.
Genome position (GRCh38, 1-based): chr8:47,828,280, T>A on the plus strand (A>T on the coding strand, the complement: PRKDC is on the minus strand). VCF-style: chr8-47828280-T-A. GRCh37 (hg19) VCF-style: chr8-48740841-T-A.
Other names: c.8465A>T, p.Lys2822Ile (NM_001081640.2); short protein forms K2822I.
Identifiers: ClinVar variation 2626324 (VCV002626324.2), dbSNP rs2551866363, ClinGen allele CA371144533.